The following is an entry in ClinVar:

NM_001048174.2(MUTYH):c.604C>T (p.Gln202Ter)

Gene: MUTYH (mutY DNA glycosylase; minus strand). Cytogenetic location: 1p34.1.
Variant type: single nucleotide variant.
Coding change: c.604C>T on transcript NM_001048174.2 (MANE Select); coding-DNA position 604, C replaced by T.
Protein change: p.Gln202Ter; replaces glutamine 202 with a stop codon.
Molecular consequence: nonsense. On other transcripts: non-coding transcript variant (2).
Genome position (GRCh38, 1-based): chr1:45,332,576, G>A on the plus strand (C>T on the coding strand, the complement: MUTYH is on the minus strand). VCF-style: chr1-45332576-G-A. GRCh37 (hg19) VCF-style: chr1-45798248-G-A.
Other names: c.604C>T, p.Gln202Ter (NM_001048171.2, NM_001048173.2, NM_001293195.2); c.607C>T, p.Gln203Ter (NM_001048172.2); c.688C>T, p.Gln230Ter (NM_001128425.2); c.649C>T, p.Gln217Ter (NM_001293190.2); c.637C>T, p.Gln213Ter (NM_001293191.2); c.328C>T, p.Gln110Ter (NM_001293192.2, NM_001293196.2); c.259C>T, p.Gln87Ter (NM_001350650.2, NM_001350651.2); c.679C>T, p.Gln227Ter (NM_012222.3); short protein forms Q230*, Q203*, Q87*, Q213*, Q202*, Q217*, Q110*, Q227*.
Identifiers: ClinVar variation 423786 (VCV000423786.23), dbSNP rs1064796630, ClinGen allele CA16617164.
Genomic context (GRCh38, chr1:45,332,576, plus strand): 5'-CTGGGCTGGGAGGAAGGAGGCTGGGCACGCACAAAGTGGGGGTGGGCTGTGAGATCACCT[G>A]GCCAAAGGCGATAGAGGCAATGGCCCCAGCTGTGTAGCGCCCCACGCCAGGCAGGAGCTG-3'

ClinVar aggregate classification (germline): Pathogenic/Likely pathogenic. Review status: criteria provided, multiple submitters, no conflicts (2 of 4 stars). 7 submissions from 7 submitters: Pathogenic (5); Likely pathogenic (2). Last evaluated 2025-11-29.

Conditions:
Hereditary cancer-predisposing syndrome. Also called: Tumor predisposition; Hereditary Cancer Syndrome; Hereditary neoplastic syndrome; Neoplastic Syndromes, Hereditary. Identifiers: Orphanet 140162, MedGen C0027672, MeSH D009386, MONDO:0015356.
Familial adenomatous polyposis 2. Also called: COLORECTAL ADENOMATOUS POLYPOSIS, AUTOSOMAL RECESSIVE; MUTYH Polyposis; MUTYH-associated polyposis; MUTYH-related attenuated familial adenomatous polyposis; Adenomas, multiple colorectal; ADENOMAS, MULTIPLE COLORECTAL, AUTOSOMAL RECESSIVE. Identifiers: Orphanet 220460, Orphanet 247798, MedGen C3272841, MONDO:0012041, OMIM 608456.

Allele frequency attached by ClinVar (database versions not stated): gnomAD 0.00001; gnomAD exomes below 0.00001.

Submissions (7):

Dasa
Classification: Pathogenic. Last evaluated: 2025-11-29. Review status: criteria provided, single submitter. Criteria: DASA Assertion Criteria. Collection method: clinical testing. Allele origin: germline.
Comment: NM_001048174.2(MUTYH):c.604C>T (p.Gln202*) introduces a premature termination codon predicted to result in loss of normal protein function. Loss-of-function is an established mechanism of disease for this gene. The variant is present at low frequency in population datasets. Based on the available data, this variant is classified as pathogenic.

Labcorp Genetics (formerly Invitae), Labcorp
Classification: Pathogenic for Familial adenomatous polyposis 2. Last evaluated: 2025-06-04. Review status: criteria provided, single submitter. Criteria: Invitae Variant Classification Sherloc (09022015). Collection method: clinical testing. Allele origin: germline.
Comment: This sequence change creates a premature translational stop signal (p.Gln230*) in the MUTYH gene. RNA analysis indicates that this premature translational stop signal induces altered splicing and may result in an absent or altered protein product. This variant is not present in population databases (gnomAD no frequency). This variant has not been reported in the literature in individuals affected with MUTYH-related conditions. ClinVar contains an entry for this variant (Variation ID: 423786). Studies have shown that this premature translational stop signal results in skipping of exon 8 and skipping of exons 8 and 9, and produces a non-functional protein and/or introduces a premature termination codon (internal data). For these reasons, this variant has been classified as Pathogenic.

All of Us Research Program, National Institutes of Health
Classification: Pathogenic for Familial adenomatous polyposis 2. Last evaluated: 2024-08-13. Review status: criteria provided, single submitter. Criteria: ACMG Guidelines, 2015. Collection method: clinical testing. Allele origin: germline. Inheritance: Autosomal recessive inheritance. Observed: 2 variant alleles, 2 heterozygotes.
Comment: This variant changes 1 nucleotide in exon 8 of the MUTYH protein creating a premature translation stop signal. This variant is expected to result in an absent or non-functional protein product. This variant has been detected in an individual undergoing genetic testing for hereditary breast and ovarian cancer (PMID: 38136308). This variant has not been identified in the general population by the Genome Aggregation Database (gnomAD). Loss of MUTYH function is a known mechanism of disease. Based on the available evidence, this variant is classified as Pathogenic.

This study involves interpretation of variants in research participants for the purpose of population health screening. Participant phenotype was not available at the time of variant classification. Additional details can be found in publication PMID: 35346344, PMCID: PMC8962531

Color Diagnostics, LLC DBA Color Health
Classification: Pathogenic for Hereditary cancer-predisposing syndrome. Last evaluated: 2024-01-29. Review status: criteria provided, single submitter. Criteria: ACMG Guidelines, 2015. Collection method: clinical testing. Allele origin: germline.
Comment: This variant changes 1 nucleotide in exon 8 of the MUTYH protein creating a premature translation stop signal. This variant is expected to result in an absent or non-functional protein product. This variant has been detected in an individual undergoing genetic testing for hereditary breast and ovarian cancer (PMID: 38136308). This variant has not been identified in the general population by the Genome Aggregation Database (gnomAD). Loss of MUTYH function is a known mechanism of disease. Based on the available evidence, this variant is classified as Pathogenic.

Baylor Genetics
Classification: Likely pathogenic for Familial adenomatous polyposis 2. Last evaluated: 2023-11-23. Review status: criteria provided, single submitter. Criteria: ACMG Guidelines, 2015. Collection method: clinical testing. Allele origin: unknown.

Ambry Genetics
Classification: Pathogenic for Hereditary cancer-predisposing syndrome. Last evaluated: 2023-10-18. Review status: criteria provided, single submitter. Criteria: Ambry Variant Classification Scheme 2023. Collection method: clinical testing. Allele origin: germline.
Comment: The p.Q230* pathogenic mutation (also known as c.688C>T), located in coding exon 8 of the MUTYH gene, results from a C to T substitution at nucleotide position 688. This changes the amino acid from a glutamine to a stop codon within coding exon 8. This alteration is expected to result in loss of function by premature protein truncation or nonsense-mediated mRNA decay. As such, this alteration is interpreted as a disease-causing mutation.

GeneDx
Classification: Likely pathogenic. Last evaluated: 2018-10-10. Review status: criteria provided, single submitter. Criteria: GeneDx Variant Classification (06012015). Collection method: clinical testing. Allele origin: germline. Affected: yes.
Comment: This variant is denoted MUTYH c.688C>T at the cDNA level and p.Gln230Ter (Q230X) at the protein level. The substitution creates a nonsense variant, which changes a Glutamine to a premature stop codon (CAG>TAG), and is predicted to cause loss of normal protein function through either protein truncation or nonsense-mediated mRNA decay. Although this variant has not, to our knowledge, been reported in the literature as a germline variant, we consider it to be likely pathogenic.

Literature cited by the submitters: PubMed 38136308 (cited by All of Us Research Program, National Institutes of Health and Color Diagnostics, LLC DBA Color Health).